The following is an entry in ClinVar:

NM_030662.4(MAP2K2):c.453_454delinsGA (p.Asp151_Gly152delinsGluSer)

Gene: MAP2K2 (mitogen-activated protein kinase kinase 2; minus strand). Cytogenetic location: 19p13.3.
Variant type: Indel.
Coding change: c.453_454delinsGA on transcript NM_030662.4 (MANE Select); coding-DNA positions 453 to 454, CG replaced by GA.
Protein change: p.Asp151_Gly152delinsGluSer.
Molecular consequence: missense variant. On other transcripts: 5 prime UTR variant (1).
Genome position (GRCh38, 1-based): chr19:4,102,450-4,102,451, CG replaced by TC on the plus strand (CG replaced by GA on the coding strand, the reverse complement: MAP2K2 is on the minus strand). VCF-style: chr19-4102450-CG-TC. GRCh37 (hg19) VCF-style: chr19-4102448-CG-TC.
Other names: c.453_454delinsGA, p.Asp151_Gly152delinsGluSer (NM_001440688.1); c.-118_-117delinsGA (NM_001440689.1); c.453_454delCGinsGA, p.Asp151_Gly152delinsGluSer (NM_030662.3).
Identifiers: ClinVar variation 4755577 (VCV004755577.1).

ClinVar aggregate classification (germline): Uncertain significance (1 of 4 stars; one submission).

Submission:

GeneDx
Classification: Uncertain significance. Last evaluated: 2025-08-04. Review status: criteria provided, single submitter. Criteria: GeneDx Variant Classification Process June 2021. Collection method: clinical testing. Allele origin: germline. Affected: yes.
Comment: Not observed at significant frequency in large population cohorts (gnomAD); In silico analysis supports a deleterious effect on protein structure/function; Has not been previously published as pathogenic or benign to our knowledge